The following is an entry in ClinVar:

NM_000424.4(KRT5):c.1753C>T (p.Arg585Trp)

Gene: KRT5 (keratin 5; minus strand). Cytogenetic location: 12q13.13.
Variant type: single nucleotide variant.
Coding change: c.1753C>T on transcript NM_000424.4 (MANE Select); coding-DNA position 1753, C replaced by T.
Protein change: p.Arg585Trp; replaces arginine 585 with tryptophan.
Molecular consequence: missense variant.
Genome position (GRCh38, 1-based): chr12:52,514,962, G>A on the plus strand (C>T on the coding strand, the complement: KRT5 is on the minus strand). VCF-style: chr12-52514962-G-A. GRCh37 (hg19) VCF-style: chr12-52908746-G-A.
Other names: short protein forms R585W.
Identifiers: ClinVar variation 2212591 (VCV002212591.4), dbSNP rs759198073, ClinGen allele CA6582394.

ClinVar aggregate classification (germline): Uncertain significance. Review status: criteria provided, multiple submitters, no conflicts (2 of 4 stars). 2 submissions from 2 submitters: Uncertain significance (2). Last evaluated 2024-07-25.

Conditions:
Inborn genetic diseases. Identifiers: MedGen C0950123, MeSH D030342.

Allele frequency attached by ClinVar (database versions not stated): gnomAD 0.00001; TOPMed 0.00004; ExAC 0.00008.
gnomAD v4.1: 29 of 1,613,542 alleles (0.0018%); highest among the groups gnomAD compares: Admixed American, 0.025%; 1 homozygote.

Submissions (2):

Labcorp Genetics (formerly Invitae), Labcorp
Classification: Uncertain significance. Last evaluated: 2024-07-25. Review status: criteria provided, single submitter. Criteria: Invitae Variant Classification Sherloc (09022015). Collection method: clinical testing. Allele origin: germline.
Comment: This sequence change replaces arginine, which is basic and polar, with tryptophan, which is neutral and slightly polar, at codon 585 of the KRT5 protein (p.Arg585Trp). This variant is present in population databases (rs759198073, gnomAD 0.04%), including at least one homozygous and/or hemizygous individual. This variant has not been reported in the literature in individuals affected with KRT5-related conditions. ClinVar contains an entry for this variant (Variation ID: 2212591). Advanced modeling of protein sequence and biophysical properties (such as structural, functional, and spatial information, amino acid conservation, physicochemical variation, residue mobility, and thermodynamic stability) has been performed at Invitae for this missense variant, however the output from this modeling did not meet the statistical confidence thresholds required to predict the impact of this variant on KRT5 protein function. In summary, the available evidence is currently insufficient to determine the role of this variant in disease. Therefore, it has been classified as a Variant of Uncertain Significance.

Ambry Genetics
Classification: Uncertain significance for Inborn genetic diseases. Last evaluated: 2022-05-16. Review status: criteria provided, single submitter. Criteria: Ambry Variant Classification Scheme 2023. Collection method: clinical testing. Allele origin: germline.